The following is an entry in ClinVar:

ClinVar aggregate classification (germline): Likely benign (1 of 4 stars; one submission).

Allele frequency attached by ClinVar (database versions not stated): gnomAD 0.04915 and 0.05181; TOPMed 0.05187; 1000 Genomes Project 30x 0.07761; 1000 Genomes Project 0.07768.

Submission:

GeneDx
Classification: Likely benign. Last evaluated: 2018-06-18. Review status: criteria provided, single submitter. Criteria: GeneDx Variant Classification (06012015). Collection method: clinical testing. Allele origin: germline. Affected: yes.
Comment: This variant is considered likely benign or benign based on one or more of the following criteria: it is a conservative change, it occurs at a poorly conserved position in the protein, it is predicted to be benign by multiple in silico algorithms, and/or has population frequency not consistent with disease.

NM_000245.4(MET):c.-15+237del

Genes: COMETT (cytosolic oncogenic antisense to MET transcript; minus strand), MET (MET proto-oncogene, receptor tyrosine kinase; plus strand). Cytogenetic location: 7q31.2.
Variant type: Deletion.
Coding change: c.-15+237del on transcript NM_000245.4 (MANE Select); 237 bases into the intron after 15 bases upstream of the start codon, one base deleted (A; older notation c.-15+237delA).
Molecular consequence: intron variant.
Genome position (GRCh38, 1-based): chr7:116,672,814, A deleted. VCF-style (leftmost placement, unchanged base first): chr7-116672813-GA-G. GRCh37 (hg19) VCF-style: chr7-116312867-GA-G.
Other names: c.-15+237del (NM_001127500.3, NM_001324401.3); c.-91+237del (NM_001324402.2).
Identifiers: ClinVar variation 676958 (VCV000676958.1), dbSNP rs141961972, ClinGen allele CA164867823.
Genomic context (GRCh38, chr7:116,672,813, plus strand): 5'-AATGGGGCTTGTCTTTTTAGGGGGTTGCTTCTGATGGCCACCTGTATGACTTAGGAGGGA[GA>G]GGGGCGCTGGGACAGTGGGTGATGTGTGACTGTTACGGCCCAGCAAGTTTTAAAGCTGGG-3'